The following is an entry in ClinVar:

NM_002242.4(KCNJ13):c.314G>C (p.Ser105Thr)

Genes: GIGYF2 (GRB10 interacting GYF protein 2; plus strand), KCNJ13 (potassium inwardly rectifying channel subfamily J member 13; minus strand). Cytogenetic location: 2q37.1.
Variant type: single nucleotide variant.
Coding change: c.314G>C on transcript NM_002242.4 (MANE Select); coding-DNA position 314, G replaced by C.
Protein change: p.Ser105Thr; replaces serine 105 with threonine.
Molecular consequence: missense variant. On other transcripts: intron variant (5).
Genome position (GRCh38, 1-based): chr2:232,771,049, C>G on the plus strand (G>C on the coding strand, the complement: KCNJ13 is on the minus strand). VCF-style: chr2-232771049-C-G. GRCh37 (hg19) VCF-style: chr2-233635759-C-G.
Other names: c.74G>C, p.Ser25Thr (NM_001172417.1); c.532+9613C>G (NM_001103146.3, NM_015575.4, NM_001103148.2); c.533-5363C>G (NM_001103147.2); c.224+90G>C (NM_001172416.1); short protein forms S105T, S25T.
Identifiers: ClinVar variation 4741481 (VCV004741481.1).

ClinVar aggregate classification (germline): Uncertain significance (1 of 4 stars; one submission).

Submission:

Labcorp Genetics (formerly Invitae), Labcorp
Classification: Uncertain significance. Last evaluated: 2025-11-27. Review status: criteria provided, single submitter. Criteria: Invitae Variant Classification Sherloc (09022015). Collection method: clinical testing. Allele origin: germline.
Comment: This sequence change replaces serine, which is neutral and polar, with threonine, which is neutral and polar, at codon 105 of the KCNJ13 protein (p.Ser105Thr). This variant is not present in population databases (gnomAD no frequency). This variant has not been reported in the literature in individuals affected with KCNJ13-related conditions. Invitae Evidence Modeling of protein sequence and biophysical properties (such as structural, functional, and spatial information, amino acid conservation, physicochemical variation, residue mobility, and thermodynamic stability) indicates that this missense variant is not expected to disrupt KCNJ13 protein function with a negative predictive value of 80%. In summary, the available evidence is currently insufficient to determine the role of this variant in disease. Therefore, it has been classified as a Variant of Uncertain Significance.